The following is an entry in ClinVar:

NM_000098.3(CPT2):c.83_84insTAATCAG (p.Ser29fs)

Genes: CPT2 (carnitine palmitoyltransferase 2; plus strand), LOC129930561 (ATAC-STARR-seq lymphoblastoid silent region 902; plus strand). Cytogenetic location: 1p32.3.
Variant type: Insertion.
Coding change: c.83_84insTAATCAG on transcript NM_000098.3 (MANE Select); coding-DNA positions 83 to 84, TAATCAG inserted.
Protein change: p.Ser29fs; shifts the reading frame from serine 29.
Molecular consequence: frameshift variant.
Genome position: GRCh38 VCF-style: chr1-53197025-G-GGTAATCA. GRCh37 (hg19) VCF-style: chr1-53662697-G-GGTAATCA.
Other names: c.83_84insTAATCAG, p.Ser29fs (NM_001330589.2); short protein forms S29fs.
Identifiers: ClinVar variation 5014755 (VCV005014755.1).

ClinVar aggregate classification (germline): Pathogenic (1 of 4 stars; one submission).

Conditions:
Carnitine palmitoyltransferase II deficiency. Also called: Carnitine Palmitoyltransferase 2 Deficiency. Identifiers: Orphanet 157, MedGen C0342790, MONDO:0015515.

Submission:

Myriad Genetics, Inc.
Classification: Pathogenic for Carnitine palmitoyltransferase II deficiency. Last evaluated: 2025-07-21. Review status: criteria provided, single submitter. Criteria: Myriad Autosomal Dominant, Autosomal Recessive and X-Linked Classification Criteria (2023). Collection method: clinical testing. Allele origin: unknown.
Comment: NM_000098.2(CPT2):c.83_84ins7(S29Nfs*32) is expected to be pathogenic in the context of carnitine palmitoyltransferase II deficiency. This variant is predicted to lead to an abnormal or absent protein product due to the creation of a premature termination codon in CPT2, a gene where loss-of-function variants are known to be pathogenic. Please note: this variant was assessed in the context of healthy population screening.